The following is an entry in ClinVar:

NC_000012.12:g.(?_132624677)_(132687335_?)dup

Gene: POLE (DNA polymerase epsilon, catalytic subunit; minus strand). Cytogenetic location: 12q24.33.
Variant type: Duplication.
Identifiers: ClinVar variation 830682 (VCV000830682.1).

ClinVar aggregate classification (germline): Uncertain significance (1 of 4 stars; one submission).

Conditions:
Colorectal cancer, susceptibility to, 12 (CRCS12). Also called: COLORECTAL CANCER, SUSCEPTIBILITY TO, ON CHROMOSOME 12q24. Identifiers: Orphanet 220460, MedGen C3554460, MONDO:0014038, OMIM 615083.

Submission:

Labcorp Genetics (formerly Invitae), Labcorp
Classification: Uncertain significance for Colorectal cancer, susceptibility to, 12. Last evaluated: 2019-09-30. Review status: criteria provided, single submitter. Criteria: Invitae Variant Classification Sherloc (09022015). Collection method: clinical testing. Allele origin: germline.
Comment: This variant results in a copy number gain of the genomic region encompassing the full coding sequence of the POLE gene. The boundaries of this event are unknown as they extend beyond the assayed region for this gene and therefore may encompass additional genes. As the precise location of this event is unknown, it may be in tandem or it may be located elsewhere in the genome. This variant has not been reported in the literature in individuals with POLE-related disease. In summary, the available evidence is currently insufficient to determine the role of this variant in disease. Therefore, it has been classified as a Variant of Uncertain Significance.